The following is an entry in ClinVar:

ClinVar aggregate classification (germline): Conflicting classifications of pathogenicity. Review status: criteria provided, conflicting classifications (1 of 4 stars). 4 submissions from 4 submitters: Uncertain significance (3); Likely benign (1). Last evaluated 2026-01-02.

Conditions:
Exudative vitreoretinopathy 6 (EVR6). Identifiers: Orphanet 891, MedGen C4225316, MONDO:0014652, OMIM 616468.
Inborn genetic diseases. Identifiers: MedGen C0950123, MeSH D030342.

Allele frequency attached by ClinVar (database versions not stated): ExAC 0.00004; TOPMed 0.00011; gnomAD 0.00015 and 0.00016; ESP Exome Variant Server 0.00031.
gnomAD v4.1: 21 of 1,155,890 alleles (0.0018%); highest among the groups gnomAD compares: African/African-American, 0.028%; no homozygotes.

Submissions (4):

Dasa
Classification: Uncertain significance for Exudative vitreoretinopathy 6. Last evaluated: 2026-01-02. Review status: criteria provided, single submitter. Criteria: DASA Assertion Criteria. Collection method: clinical testing. Allele origin: germline.
Comment: NM_024741.3(ZNF408):c.583A>G (p.Thr195Ala) is a missense variant that results in the substitution of threonine with alanine. This variant is rare in population databases. Computational prediction algorithms are consistent with a benign effect. The currently available literature and clinical evidence are not sufficient to establish a definitive association between this variant and the reported condition. Therefore, this variant is classified as a variant of uncertain significance.

Ambry Genetics
Classification: Uncertain significance for Inborn genetic diseases. Last evaluated: 2025-11-02. Review status: criteria provided, single submitter. Criteria: Ambry Variant Classification Scheme 2023. Collection method: clinical testing. Allele origin: germline.

Labcorp Genetics (formerly Invitae), Labcorp
Classification: Uncertain significance. Last evaluated: 2025-01-06. Review status: criteria provided, single submitter. Criteria: Invitae Variant Classification Sherloc (09022015). Collection method: clinical testing. Allele origin: germline.
Comment: This sequence change replaces threonine, which is neutral and polar, with alanine, which is neutral and non-polar, at codon 195 of the ZNF408 protein (p.Thr195Ala). This variant is present in population databases (rs77373752, gnomAD 0.03%). This variant has not been reported in the literature in individuals affected with ZNF408-related conditions. ClinVar contains an entry for this variant (Variation ID: 1044002). An algorithm developed to predict the effect of missense changes on protein structure and function outputs the following: PolyPhen-2: "Benign". The alanine amino acid residue is found in multiple mammalian species, which suggests that this missense change does not adversely affect protein function. In summary, the available evidence is currently insufficient to determine the role of this variant in disease. Therefore, it has been classified as a Variant of Uncertain Significance.

Blueprint Genetics
Classification: Likely benign. Last evaluated: 2021-08-10. Review status: criteria provided, single submitter. Criteria: ACMG Guidelines, 2015. Collection method: clinical testing. Allele origin: germline.

NM_024741.3(ZNF408):c.583A>G (p.Thr195Ala)

Gene: ZNF408 (zinc finger protein 408; plus strand). Cytogenetic location: 11p11.2.
Variant type: single nucleotide variant.
Coding change: c.583A>G on transcript NM_024741.3 (MANE Select); coding-DNA position 583, A replaced by G.
Protein change: p.Thr195Ala; replaces threonine 195 with alanine.
Molecular consequence: missense variant.
Genome position (GRCh38, 1-based): chr11:46,703,174, A>G. VCF-style: chr11-46703174-A-G. GRCh37 (hg19) VCF-style: chr11-46724724-A-G.
Other names: c.559A>G, p.Thr187Ala (NM_001184751.2); c.583A>G (NM_024741.2); short protein forms T187A, T195A.
Identifiers: ClinVar variation 1044002 (VCV001044002.12), dbSNP rs77373752, ClinGen allele CA5966375.